The following is an entry in ClinVar:

ClinVar aggregate classification (germline): Likely benign. Review status: criteria provided, multiple submitters, no conflicts (2 of 4 stars). 3 submissions from 3 submitters: Likely benign (3). Last evaluated 2026-06-01.

Allele frequency attached by ClinVar (database versions not stated): TOPMed 0.00010; gnomAD 0.00012.
gnomAD v4.1: 353 of 1,310,238 alleles (0.027%); highest among the groups gnomAD compares: Middle Eastern, 0.087%; 1 homozygote.

Submissions (3):

CeGaT Center for Human Genetics Tuebingen
Classification: Likely benign. Last evaluated: 2026-06-01. Review status: criteria provided, single submitter. Criteria: CeGaT Center For Human Genetics Tuebingen Variant Classification Criteria Version 2. Collection method: clinical testing. Allele origin: germline. Affected: yes. Observed: 2 variant alleles.
Comment: ARID1A: BP4, BP7

Labcorp Genetics (formerly Invitae), Labcorp
Classification: Likely benign. Last evaluated: 2025-12-08. Review status: criteria provided, single submitter. Criteria: Invitae Variant Classification Sherloc (09022015). Collection method: clinical testing. Allele origin: germline.

Blueprint Genetics
Classification: Likely benign. Last evaluated: 2024-10-21. Review status: criteria provided, single submitter. Criteria: ACMG Guidelines, 2015. Collection method: clinical testing. Allele origin: germline.

NM_006015.6(ARID1A):c.261A>C (p.Gly87=)

Gene: ARID1A (AT-rich interaction domain 1A; plus strand). Cytogenetic location: 1p36.11.
Variant type: single nucleotide variant.
Coding change: c.261A>C on transcript NM_006015.6 (MANE Select); coding-DNA position 261, A replaced by C.
Protein change: p.Gly87=; no amino-acid change (glycine 87 retained).
Molecular consequence: synonymous variant.
Genome position (GRCh38, 1-based): chr1:26,696,664, A>C. VCF-style: chr1-26696664-A-C. GRCh37 (hg19) VCF-style: chr1-27023155-A-C.
Other names: c.261A>C, p.Gly87= (NM_139135.4).
Identifiers: ClinVar variation 2174864 (VCV002174864.12), dbSNP rs922383490, ClinGen allele CA19640492.